The following is an entry in ClinVar:

NM_007194.4(CHEK2):c.574T>C (p.Ser192Pro)

Gene: CHEK2 (checkpoint kinase 2; minus strand). Cytogenetic location: 22q12.1.
Variant type: single nucleotide variant.
Coding change: c.574T>C on transcript NM_007194.4 (MANE Select); coding-DNA position 574, T replaced by C.
Protein change: p.Ser192Pro; replaces serine 192 with proline.
Molecular consequence: missense variant. On other transcripts: 5 prime UTR variant (2), intron variant (1).
Genome position (GRCh38, 1-based): chr22:28,724,995, A>G on the plus strand (T>C on the coding strand, the complement: CHEK2 is on the minus strand). VCF-style: chr22-28724995-A-G. GRCh37 (hg19) VCF-style: chr22-29120983-A-G.
Other names: c.703T>C, p.Ser235Pro (NM_001005735.3, NM_001438294.1); c.-204T>C (NM_001257387.3); c.-90T>C (NM_001437942.1); c.667T>C, p.Ser223Pro (NM_001438293.1, NM_001438295.1); c.574T>C, p.Ser192Pro (NM_145862.3); c.445-72T>C (NM_001349956.3); short protein forms S235P, S192P, S223P.
Identifiers: ClinVar variation 1749435 (VCV001749435.2), dbSNP rs2146056929, ClinGen allele CA411107037.
Genomic context (GRCh38, chr22:28,724,995, plus strand): 5'-TGGAAAAAAAAAATTCCAGTAACCATAAGATAATAATATTACCTTTATTTCTGCTTAGTG[A>G]CAGTGCAATTTCAGAATTGTTATTCAAAGGACGGCGTTTTCCTTTCCCTACAAGCTCTGT-3'
Protein context (NP_009125.1, residues 182-202): PLNNNSEIAL[Ser192Pro]LSRNKVFVFF

ClinVar aggregate classification (germline): Uncertain significance (1 of 4 stars; one submission).

Conditions:
Hereditary cancer-predisposing syndrome. Also called: Hereditary Cancer Syndrome; Hereditary neoplastic syndrome; Neoplastic Syndromes, Hereditary; Tumor predisposition. Identifiers: Orphanet 140162, MedGen C0027672, MeSH D009386, MONDO:0015356.

Submission:

Ambry Genetics
Classification: Uncertain significance for Hereditary cancer-predisposing syndrome. Last evaluated: 2022-05-06. Review status: criteria provided, single submitter. Criteria: Ambry Variant Classification Scheme 2023. Collection method: clinical testing. Allele origin: germline.
Comment: The p.S192P variant (also known as c.574T>C), located in coding exon 3 of the CHEK2 gene, results from a T to C substitution at nucleotide position 574. The serine at codon 192 is replaced by proline, an amino acid with similar properties. This amino acid position is conserved. In addition, this alteration is predicted to be deleterious by in silico analysis. Since supporting evidence is limited at this time, the clinical significance of this alteration remains unclear.